The following is an entry in ClinVar:

NM_001626.6(AKT2):c.282C>G (p.Asp94Glu)

Gene: AKT2 (AKT serine/threonine kinase 2; minus strand). Cytogenetic location: 19q13.2.
Variant type: single nucleotide variant.
Coding change: c.282C>G on transcript NM_001626.6 (MANE Select); coding-DNA position 282, C replaced by G.
Protein change: p.Asp94Glu; replaces aspartic acid 94 with glutamic acid.
Molecular consequence: missense variant.
Genome position (GRCh38, 1-based): chr19:40,255,163, G>C on the plus strand (C>G on the coding strand, the complement: AKT2 is on the minus strand). VCF-style: chr19-40255163-G-C. GRCh37 (hg19) VCF-style: chr19-40761070-G-C.
Other names: c.96C>G, p.Asp32Glu (NM_001243027.3, NM_001243028.3); c.282C>G, p.Asp94Glu (NM_001330511.1); short protein forms D32E, D94E.
Identifiers: ClinVar variation 1060168 (VCV001060168.7), dbSNP rs139125633, ClinGen allele CA405871158.
Genomic context (GRCh38, chr19:40,255,163, plus strand): 5'-CCTCACACCAGGCTTGCTCCCTCTCAAGGGCAGCCACACAGAGGCCCAGACTGACCTCTC[G>C]TCTGGAGAATCCACGTGGAAGGTCCTCTCGATGACTGTGGTCCACTGCAGGCAGCGTATG-3'
Protein context (NP_001617.1, residues 84-104): IERTFHVDSP[Asp94Glu]EREEWMRAIQ

ClinVar aggregate classification (germline): Uncertain significance (1 of 4 stars; one submission).

Conditions:
Type 2 diabetes mellitus. Also called: Type II diabetes mellitus. Identifiers: MedGen C0011860, MeSH D003924, MONDO:0005148, OMIM 125853, HP:0005978.
Hypoinsulinemic hypoglycemia and body hemihypertrophy. Also called: Hypoinsulinemic hypoglycemia and hemihypertrophy. Identifiers: Orphanet 293964, MedGen C3278384, MONDO:0009416, OMIM 240900.

gnomAD v4.1: 4 of 1,613,136 alleles (0.00025%); highest among the groups gnomAD compares: Admixed American, 0.005%; no homozygotes.

Submission:

Labcorp Genetics (formerly Invitae), Labcorp
Classification: Uncertain significance for Hypoinsulinemic hypoglycemia and body hemihypertrophy; Type 2 diabetes mellitus. Last evaluated: 2022-02-05. Review status: criteria provided, single submitter. Criteria: Invitae Variant Classification Sherloc (09022015). Collection method: clinical testing. Allele origin: germline.
Comment: This sequence change replaces aspartic acid, which is acidic and polar, with glutamic acid, which is acidic and polar, at codon 94 of the AKT2 protein (p.Asp94Glu). This variant is not present in population databases (gnomAD no frequency). In summary, the available evidence is currently insufficient to determine the role of this variant in disease. Therefore, it has been classified as a Variant of Uncertain Significance. Algorithms developed to predict the effect of missense changes on protein structure and function output the following: SIFT: "Tolerated"; PolyPhen-2: "Benign"; Align-GVGD: "Class C0". The glutamic acid amino acid residue is found in multiple mammalian species, which suggests that this missense change does not adversely affect protein function. ClinVar contains an entry for this variant (Variation ID: 1060168). This variant has not been reported in the literature in individuals affected with AKT2-related conditions.